The following is an entry in ClinVar:

NM_001243279.3(ACSF3):c.1614-10G>C

Gene: ACSF3 (acyl-CoA synthetase family member 3; plus strand). Cytogenetic location: 16q24.3.
Variant type: single nucleotide variant.
Coding change: c.1614-10G>C on transcript NM_001243279.3 (MANE Select); 10 bases into the intron before coding-DNA position 1614, G replaced by C.
Molecular consequence: intron variant.
Genome position (GRCh38, 1-based): chr16:89,154,080, G>C. VCF-style: chr16-89154080-G-C. GRCh37 (hg19) VCF-style: chr16-89220488-G-C.
Other names: c.1614-10G>C (NM_001127214.4, NM_174917.5); c.819-10G>C (NM_001284316.2).
Identifiers: ClinVar variation 381840 (VCV000381840.12), dbSNP rs370941606, ClinGen allele CA8238344.

ClinVar aggregate classification (germline): Likely benign. Review status: criteria provided, multiple submitters, no conflicts (2 of 4 stars). 2 submissions from 2 submitters: Likely benign (2). Last evaluated 2026-01-11.

Conditions:
Combined malonic and methylmalonic acidemia. Identifiers: Orphanet 289504, MedGen C3280314, MONDO:0013661, OMIM 614265.

Allele frequency attached by ClinVar (database versions not stated): gnomAD exomes 0.00004 and 0.00015; 1000 Genomes Project 30x 0.00016; ExAC 0.00017; 1000 Genomes Project 0.00020; gnomAD 0.00050 and 0.00056; TOPMed 0.00066; ESP Exome Variant Server 0.00100.
gnomAD v4.1: 141 of 1,611,976 alleles (0.0087%); highest among the groups gnomAD compares: African/African-American, 0.16%; no homozygotes.

Submissions (2):

Labcorp Genetics (formerly Invitae), Labcorp
Classification: Likely benign for Combined malonic and methylmalonic acidemia. Last evaluated: 2026-01-11. Review status: criteria provided, single submitter. Criteria: Invitae Variant Classification Sherloc (09022015). Collection method: clinical testing. Allele origin: germline.

GeneDx
Classification: Likely benign. Last evaluated: 2018-02-05. Review status: criteria provided, single submitter. Criteria: GeneDx Variant Classification (06012015). Collection method: clinical testing. Allele origin: germline. Affected: yes.
Comment: This variant is considered likely benign or benign based on one or more of the following criteria: it is a conservative change, it occurs at a poorly conserved position in the protein, it is predicted to be benign by multiple in silico algorithms, and/or has population frequency not consistent with disease.